The following is an entry in ClinVar:

NM_013254.4(TBK1):c.2175C>T (p.Asn725=)

Gene: TBK1 (TANK binding kinase 1; plus strand). Cytogenetic location: 12q14.2.
Variant type: single nucleotide variant.
Coding change: c.2175C>T on transcript NM_013254.4 (MANE Select); coding-DNA position 2175, C replaced by T.
Protein change: p.Asn725=; no amino-acid change (asparagine 725 retained).
Molecular consequence: synonymous variant.
Genome position (GRCh38, 1-based): chr12:64,501,366, C>T. VCF-style: chr12-64501366-C-T. GRCh37 (hg19) VCF-style: chr12-64895146-C-T.
Identifiers: ClinVar variation 725367 (VCV000725367.8), dbSNP rs369222946, ClinGen allele CA6669289.

ClinVar aggregate classification (germline): Likely benign. Review status: criteria provided, single submitter (1 of 4 stars). 2 submissions from 2 submitters: Likely benign (1). 1 of the submissions does not count toward it. Last evaluated 2025-08-06.

Conditions:
Frontotemporal dementia and/or amyotrophic lateral sclerosis 4. Also called: FTDALS4. Identifiers: Orphanet 275872, MedGen C4225325, MONDO:0014641, OMIM 616439.
TBK1-related disorder. Also called: TBK1-related condition.

Allele frequency attached by ClinVar (database versions not stated): ExAC 0.00002; gnomAD exomes 0.00002 and 0.00003; TOPMed 0.00005; gnomAD 0.00007 and 0.00009; ESP Exome Variant Server 0.00015; 1000 Genomes Project 30x 0.00016; 1000 Genomes Project 0.00020.
gnomAD v4.1: 57 of 1,613,910 alleles (0.0035%); highest among the groups gnomAD compares: African/African-American, 0.016%; no homozygotes.

Submissions (2):

Labcorp Genetics (formerly Invitae), Labcorp
Classification: Likely benign for Frontotemporal dementia and/or amyotrophic lateral sclerosis 4. Last evaluated: 2025-08-06. Review status: criteria provided, single submitter. Criteria: Invitae Variant Classification Sherloc (09022015). Collection method: clinical testing. Allele origin: germline.

PreventionGenetics, part of Exact Sciences
Classification: Likely benign for TBK1-related condition. Last evaluated: 2023-10-23. Review status: no assertion criteria provided. Collection method: clinical testing. Allele origin: germline. Not counted in ClinVar's aggregate classification.
Comment: This variant is classified as likely benign based on ACMG/AMP sequence variant interpretation guidelines (Richards et al. 2015 PMID: 25741868, with internal and published modifications).